The following is an entry in ClinVar:

ClinVar aggregate classification (germline): Uncertain significance. Review status: criteria provided, multiple submitters, no conflicts (2 of 4 stars). 2 submissions from 2 submitters: Uncertain significance (2). Last evaluated 2023-12-04.

Conditions:
Facioscapulohumeral muscular dystrophy 2 (FSHD2). Also called: MUSCULAR DYSTROPHY, FACIOSCAPULOHUMERAL, TYPE 1B; FACIOSCAPULOHUMERAL MUSCULAR DYSTROPHY 2, DIGENIC; FSHD2, DIGENIC. Identifiers: Orphanet 269, MedGen C1834671, MONDO:0008031, OMIM 158901.

Allele frequency attached by ClinVar (database versions not stated): gnomAD exomes below 0.00001.

Submissions (2):

Labcorp Genetics (formerly Invitae), Labcorp
Classification: Uncertain significance for Facioscapulohumeral muscular dystrophy 2. Last evaluated: 2023-12-04. Review status: criteria provided, single submitter. Criteria: Invitae Variant Classification Sherloc (09022015). Collection method: clinical testing. Allele origin: germline.
Comment: This sequence change replaces methionine, which is neutral and non-polar, with valine, which is neutral and non-polar, at codon 1639 of the SMCHD1 protein (p.Met1639Val). This variant is not present in population databases (gnomAD no frequency). This variant has not been reported in the literature in individuals affected with SMCHD1-related conditions. ClinVar contains an entry for this variant (Variation ID: 497157). Advanced modeling of protein sequence and biophysical properties (such as structural, functional, and spatial information, amino acid conservation, physicochemical variation, residue mobility, and thermodynamic stability) performed at Invitae indicates that this missense variant is not expected to disrupt SMCHD1 protein function with a negative predictive value of 80%. In summary, the available evidence is currently insufficient to determine the role of this variant in disease. Therefore, it has been classified as a Variant of Uncertain Significance.

Eurofins Ntd Llc (ga)
Classification: Uncertain significance. Last evaluated: 2016-09-29. Review status: criteria provided, single submitter. Criteria: EGL Classification Definitions 2015. Collection method: clinical testing. Allele origin: germline. Observed: 1 variant allele, 1 heterozygote.

NM_015295.3(SMCHD1):c.4915A>G (p.Met1639Val)

Gene: SMCHD1 (structural maintenance of chromosomes flexible hinge domain containing 1; plus strand). Cytogenetic location: 18p11.32.
Variant type: single nucleotide variant.
Coding change: c.4915A>G on transcript NM_015295.3 (MANE Select); coding-DNA position 4915, A replaced by G.
Protein change: p.Met1639Val; replaces methionine 1639 with valine.
Molecular consequence: missense variant.
Genome position (GRCh38, 1-based): chr18:2,770,057, A>G. VCF-style: chr18-2770057-A-G. GRCh37 (hg19) VCF-style: chr18-2770055-A-G.
Other names: short protein forms M1639V.
Identifiers: ClinVar variation 497157 (VCV000497157.8), dbSNP rs1555651856, ClinGen allele CA401682265.